The following is an entry in ClinVar:

NM_000268.4(NF2):c.1769C>G (p.Ala590Gly)

Gene: NF2 (NF2, moesin-ezrin-radixin like (MERLIN) tumor suppressor; plus strand). Cytogenetic location: 22q12.2.
Variant type: single nucleotide variant.
Coding change: c.1769C>G on transcript NM_000268.4 (MANE Select); coding-DNA position 1769, C replaced by G.
Protein change: p.Ala590Gly; replaces alanine 590 with glycine.
Molecular consequence: missense variant. On other transcripts: 3 prime UTR variant (5), non-coding transcript variant (1).
Genome position (GRCh38, 1-based): chr22:29,694,783, C>G. VCF-style: chr22-29694783-C-G. GRCh37 (hg19) VCF-style: chr22-30090772-C-G.
Other names: c.1655C>G, p.Ala552Gly (NM_001407053.1); c.1646C>G, p.Ala549Gly (NM_001407054.1); c.1643C>G, p.Ala548Gly (NM_001407055.1); c.*41C>G (NM_001407056.1, NM_001407059.1, NM_001407065.1 and 5 more transcripts); c.1634C>G, p.Ala545Gly (NM_001407057.1); c.*56C>G (NM_001407058.1, NM_001407063.1, NM_181832.3); c.1606C>G, p.Pro536Ala (NM_001407060.1); c.1511C>G, p.Ala504Gly (NM_001407062.1); and 2 more; short protein forms A590G, A160G, A548G, A549G, P453A, P536A, A504G, A552G.
Identifiers: ClinVar variation 1779733 (VCV001779733.5), dbSNP rs1246154574, ClinGen allele CA411152284.

ClinVar aggregate classification (germline): Uncertain significance. Review status: criteria provided, multiple submitters, no conflicts (2 of 4 stars). 2 submissions from 2 submitters: Uncertain significance (2). Last evaluated 2025-08-13.

Conditions:
Hereditary cancer-predisposing syndrome. Also called: Tumor predisposition; Neoplastic Syndromes, Hereditary; Hereditary Cancer Syndrome; Hereditary neoplastic syndrome. Identifiers: Orphanet 140162, MedGen C0027672, MeSH D009386, MONDO:0015356.
Neurofibromatosis, type 2 (SWNV). Also called: NF2-Related Schwannomatosis; SCHWANNOMATOSIS, VESTIBULAR; BILATERAL ACOUSTIC NEUROFIBROMATOSIS. Identifiers: Orphanet 637, MedGen C0027832, MONDO:0007039, OMIM 101000. Disease mechanism: loss of function.

Allele frequency attached by ClinVar (database versions not stated): gnomAD 0.00001.
gnomAD v4.1: 19 of 1,613,548 alleles (0.0012%); highest among the groups gnomAD compares: Non-Finnish European, 0.0015%; no homozygotes.

Submissions (2):

Labcorp Genetics (formerly Invitae), Labcorp
Classification: Uncertain significance for Neurofibromatosis, type 2. Last evaluated: 2025-08-13. Review status: criteria provided, single submitter. Criteria: Invitae Variant Classification Sherloc (09022015). Collection method: clinical testing. Allele origin: germline.
Comment: This sequence change replaces alanine, which is neutral and non-polar, with glycine, which is neutral and non-polar, at codon 590 of the NF2 protein (p.Ala590Gly). This variant is not present in population databases (gnomAD no frequency). This variant has not been reported in the literature in individuals affected with NF2-related conditions. ClinVar contains an entry for this variant (Variation ID: 1779733). Invitae Evidence Modeling of protein sequence and biophysical properties (such as structural, functional, and spatial information, amino acid conservation, physicochemical variation, residue mobility, and thermodynamic stability) indicates that this missense variant is expected to disrupt NF2 protein function with a positive predictive value of 80%. In summary, the available evidence is currently insufficient to determine the role of this variant in disease. Therefore, it has been classified as a Variant of Uncertain Significance.

Ambry Genetics
Classification: Uncertain significance for Hereditary cancer-predisposing syndrome. Last evaluated: 2024-08-09. Review status: criteria provided, single submitter. Criteria: Ambry Variant Classification Scheme 2023. Collection method: clinical testing. Allele origin: germline.
Comment: The p.A590G variant (also known as c.1769C>G), located in coding exon 16 of the NF2 gene, results from a C to G substitution at nucleotide position 1769. The alanine at codon 590 is replaced by glycine, an amino acid with similar properties. This amino acid position is highly conserved in available vertebrate species. In addition, the in silico prediction for this alteration is inconclusive. Based on the available evidence, the clinical significance of this variant remains unclear.